The following is an entry in ClinVar:

ClinVar aggregate classification (germline): Benign (1 of 4 stars; one submission).

Conditions:
Sessile serrated polyposis cancer syndrome (SSPCS). Identifiers: Orphanet 157798, MedGen C4310714, MONDO:0014919, OMIM 617108.

Submission:

Myriad Genetics, Inc.
Classification: Benign for Sessile serrated polyposis cancer syndrome. Last evaluated: 2026-06-29. Review status: criteria provided, single submitter. Criteria: Myriad Autosomal Dominant, Autosomal Recessive and X-Linked Classification Criteria (2023). Collection method: clinical testing. Allele origin: unknown.
Comment: This variant is considered benign. This variant is a silent/synonymous amino acid change and it is not expected to impact splicing.

NM_017763.6(RNF43):c.447G>A (p.Glu149=)

Gene: RNF43 (ring finger protein 43; minus strand). Cytogenetic location: 17q22.
Variant type: single nucleotide variant.
Coding change: c.447G>A on transcript NM_017763.6 (MANE Select); coding-DNA position 447, G replaced by A.
Protein change: p.Glu149=; no amino-acid change (glutamic acid 149 retained).
Molecular consequence: synonymous variant.
Genome position (GRCh38, 1-based): chr17:58,363,529, C>T on the plus strand (G>A on the coding strand, the complement: RNF43 is on the minus strand). VCF-style: chr17-58363529-C-T. GRCh37 (hg19) VCF-style: chr17-56440890-C-T.
Other names: c.447G>A, p.Glu149= (NM_001305544.3, NM_001438820.1, NM_001438821.1 and 1 more transcripts); c.66G>A, p.Glu22= (NM_001305545.2, NM_001437987.1).
Identifiers: ClinVar variation 4875961 (VCV004875961.1).